The following is an entry in ClinVar:

ClinVar aggregate classification (germline): Likely benign. Review status: criteria provided, multiple submitters, no conflicts (2 of 4 stars). 5 submissions from 5 submitters: Likely benign (4). 1 of the submissions does not count toward it. Last evaluated 2026-09-01.

Conditions:
Inborn genetic diseases. Identifiers: MedGen C0950123, MeSH D030342.
CHARGE syndrome (CHARGE). Also called: Hittner Hirsch Kreh syndrome; CHARGE ASSOCIATION--COLOBOMA, HEART ANOMALY, CHOANAL ATRESIA, RETARDATION, GENITAL AND EAR ANOMALIES; Coloboma, heart anomaly, choanal atresia, retardation, genital and ear anomalies; CHARGE association; Hall-Hittner syndrome. Identifiers: Orphanet 138, MedGen C0265354, MONDO:0008965.
CHD7-related disorder. Also called: CHD7-related condition.

Allele frequency attached by ClinVar (database versions not stated): gnomAD 0.00009.
gnomAD v4.1: 37 of 1,613,818 alleles (0.0023%); highest among the groups gnomAD compares: Admixed American, 0.06%; no homozygotes.

Submissions (5):

CeGaT Center for Human Genetics Tuebingen
Classification: Likely benign. Last evaluated: 2026-09-01. Review status: criteria provided, single submitter. Criteria: CeGaT Center For Human Genetics Tuebingen Variant Classification Criteria Version 2. Collection method: clinical testing. Allele origin: germline. Affected: yes. Observed: 1 variant allele.
Comment: CHD7: BP4, BP7

Ambry Genetics
Classification: Likely benign for Inborn genetic diseases. Last evaluated: 2026-06-21. Review status: criteria provided, single submitter. Criteria: Ambry Variant Classification Scheme 2023. Collection method: clinical testing. Allele origin: germline.

Labcorp Genetics (formerly Invitae), Labcorp
Classification: Likely benign for CHARGE syndrome. Last evaluated: 2025-12-03. Review status: criteria provided, single submitter. Criteria: Invitae Variant Classification Sherloc (09022015). Collection method: clinical testing. Allele origin: germline.

GeneDx
Classification: Likely benign. Last evaluated: 2021-01-19. Review status: criteria provided, single submitter. Criteria: GeneDx Variant Classification Process June 2021. Collection method: clinical testing. Allele origin: germline. Affected: yes.

PreventionGenetics, part of Exact Sciences
Classification: Likely benign for CHD7-related condition. Last evaluated: 2023-01-11. Review status: no assertion criteria provided. Collection method: clinical testing. Allele origin: germline. Not counted in ClinVar's aggregate classification.
Comment: This variant is classified as likely benign based on ACMG/AMP sequence variant interpretation guidelines (Richards et al. 2015 PMID: 25741868, with internal and published modifications).

NM_017780.4(CHD7):c.3294A>C (p.Pro1098=)

Gene: CHD7 (chromodomain helicase DNA binding protein 7; plus strand). Cytogenetic location: 8q12.2.
Variant type: single nucleotide variant.
Coding change: c.3294A>C on transcript NM_017780.4 (MANE Select); coding-DNA position 3294, A replaced by C.
Protein change: p.Pro1098=; no amino-acid change (proline 1098 retained).
Molecular consequence: synonymous variant. On other transcripts: intron variant (1).
Genome position (GRCh38, 1-based): chr8:60,823,932, A>C. VCF-style: chr8-60823932-A-C. GRCh37 (hg19) VCF-style: chr8-61736491-A-C.
Other names: c.1717-38297A>C (NM_001316690.1); c.3294A>C (NM_017780.3).
Identifiers: ClinVar variation 1105251 (VCV001105251.16), dbSNP rs760166848, ClinGen allele CA4759921.